The following is an entry in ClinVar:

ClinVar aggregate classification (germline): Benign (1 of 4 stars; one submission).

Allele frequency attached by ClinVar (database versions not stated): gnomAD 0.27272 and 0.27326; TOPMed 0.29845; 1000 Genomes Project 30x 0.34119; 1000 Genomes Project 0.34185.
gnomAD v4.1: 41,489 of 152,068 alleles (27%); highest among the groups gnomAD compares: East Asian, 57%; 6,320 homozygotes.

Submission:

GeneDx
Classification: Benign. Last evaluated: 2018-06-14. Review status: criteria provided, single submitter. Criteria: GeneDx Variant Classification (06012015). Collection method: clinical testing. Allele origin: germline. Affected: yes.
Comment: This variant is considered likely benign or benign based on one or more of the following criteria: it is a conservative change, it occurs at a poorly conserved position in the protein, it is predicted to be benign by multiple in silico algorithms, and/or has population frequency not consistent with disease.

NM_172107.4(KCNQ2):c.1526-163G>A

Gene: KCNQ2 (potassium voltage-gated channel subfamily Q member 2; minus strand). Cytogenetic location: 20q13.33.
Variant type: single nucleotide variant.
Coding change: c.1526-163G>A on transcript NM_172107.4 (MANE Select); 163 bases into the intron before coding-DNA position 1526, G replaced by A.
Molecular consequence: intron variant.
Genome position (GRCh38, 1-based): chr20:63,414,356, C>T on the plus strand (G>A on the coding strand, the complement: KCNQ2 is on the minus strand). VCF-style: chr20-63414356-C-T. GRCh37 (hg19) VCF-style: chr20-62045709-C-T.
Other names: c.1442-163G>A (NM_004518.6); c.1436-166G>A (NM_172108.5); c.1472-163G>A (NM_172106.3).
Identifiers: ClinVar variation 682051 (VCV000682051.1), dbSNP rs2281570, ClinGen allele CA14802846.
Genomic context (GRCh38, chr20:63,414,356, plus strand): 5'-CGAGGCTCCCTGTGGTGCCCCTCGGGTGCACCTGCTTTTCTGGAAACCCACCCATCTGCA[C>T]CCAGCTGCTCTCGAGTCAGGACCTTCCCCGGCAGGCTGTGGCCACAGGGAGTGGCCGATA-3'